The following is an entry in ClinVar:

ClinVar aggregate classification (germline): Pathogenic (1 of 4 stars; one submission).

gnomAD v4.1: 45 of 1,613,998 alleles (0.0028%); highest among the groups gnomAD compares: Non-Finnish European, 0.0036%; no homozygotes.

Submission:

GeneDx
Classification: Pathogenic. Last evaluated: 2026-10-07. Review status: criteria provided, single submitter. Criteria: GeneDx Variant Classification Process June 2021. Collection method: clinical testing. Allele origin: germline.
Comment: Nonsense variant predicted to result in protein truncation, as the last 2005 amino acids are lost, and other loss-of-function variants have been reported downstream in HGMD; Has not been previously published as pathogenic or benign to our knowledge; This variant is associated with the following publications: (PMID: 16444271)

NM_002016.2(FLG):c.6169C>T (p.Gln2057Ter)

Genes: CCDST (cervical cancer associated DHX9 suppressive transcript; plus strand), FLG (filaggrin; minus strand). Cytogenetic location: 1q21.3.
Variant type: single nucleotide variant.
Coding change: c.6169C>T on transcript NM_002016.2 (MANE Select); coding-DNA position 6169, C replaced by T.
Protein change: p.Gln2057Ter; replaces glutamine 2057 with a stop codon.
Molecular consequence: nonsense.
Genome position (GRCh38, 1-based): chr1:152,308,717, G>A on the plus strand (C>T on the coding strand, the complement: FLG is on the minus strand). VCF-style: chr1-152308717-G-A. GRCh37 (hg19) VCF-style: chr1-152281193-G-A.
Other names: short protein forms Q2057*.
Identifiers: ClinVar variation 3343102 (VCV003343102.3).